The following is an entry in ClinVar:

NM_181523.3(PIK3R1):c.1332T>C (p.Ala444=)

Gene: PIK3R1 (phosphoinositide-3-kinase regulatory subunit 1; plus strand). Cytogenetic location: 5q13.1.
Variant type: single nucleotide variant.
Coding change: c.1332T>C on transcript NM_181523.3 (MANE Select); coding-DNA position 1332, T replaced by C.
Protein change: p.Ala444=; no amino-acid change (alanine 444 retained).
Molecular consequence: synonymous variant.
Genome position (GRCh38, 1-based): chr5:68,293,741, T>C. VCF-style: chr5-68293741-T-C. GRCh37 (hg19) VCF-style: chr5-67589569-T-C.
Other names: NM_181523.3(PIK3R1):c.1332T>C; p.Ala444=; c.243T>C, p.Ala81= (NM_001242466.2); c.522T>C, p.Ala174= (NM_181504.4); c.432T>C, p.Ala144= (NM_181524.2).
Identifiers: ClinVar variation 1078862 (VCV001078862.10), dbSNP rs1230274577, ClinGen allele CA444488646.
Genomic context (GRCh38, chr5:68,293,741, plus strand): 5'-TCCATTGAATTTATTTTAATCTTTCTAGGATCAAGTTGTCAAAGAAGATAATATTGAAGC[T>C]GTAGGGAAAAAATTACATGAATATAACACTCAGTTTCAAGAAAAAAGTCGAGAATATGAT-3'
Protein context (NP_852664.1, residues 434-454): DQVVKEDNIE[Ala444=]VGKKLHEYNT

ClinVar aggregate classification (germline): Likely benign. Review status: reviewed by expert panel (3 of 4 stars). 2 submissions from 2 submitters: Likely benign (1). 1 of the submissions does not count toward it. Last evaluated 2026-05-19.

Conditions:
PIK3R1-related immunodeficiency and SHORT syndrome. Identifiers: MedGen CN379774, MONDO:1060136.
Agammaglobulinemia 7, autosomal recessive (AGM7). Also called: AGAMMAGLOBULINEMIA, AUTOSOMAL RECESSIVE, DUE TO PIK3R1 DEFECT. Identifiers: MedGen C3554689, MONDO:0014083, OMIM 615214.
SHORT syndrome. Also called: SHORT STATURE, HYPEREXTENSIBILITY, HERNIA, OCULAR DEPRESSION, RIEGER ANOMALY, AND TEETHING DELAY; LIPODYSTROPHY, PARTIAL, WITH RIEGER ANOMALY AND SHORT STATURE; PIK3R1-Related SHORT Syndrome. Identifiers: Orphanet 3163, MedGen C0878684, MONDO:0010026, OMIM 269880.
Immunodeficiency 36 with lymphoproliferation. Also called: Activated PI3K Delta Syndrome Type 2 (APDS2); Immunodeficiency 36; ACTIVATED PI3K-DELTA SYNDROME 2. Identifiers: Orphanet 397596, Orphanet 693681, MedGen C4014934, MONDO:0014453, OMIM 616005.

Allele frequency attached by ClinVar (database versions not stated): gnomAD exomes below 0.00001 and 0.00001.
gnomAD v4.1: 8 of 1,504,126 alleles (0.00053%); highest among the groups gnomAD compares: South Asian, 0.0059%; no homozygotes.

Submissions (2):

ClinGen Primary Immune Regulatory Disorders Variant Curation Expert Panel, ClinGen
Classification: Likely benign for PIK3R1-related immunodeficiency and SHORT syndrome. Last evaluated: 2026-05-19. Review status: reviewed by expert panel. Criteria: ClinGen AbDef ACMG Specifications PIK3R1 V1.0.0. Collection method: curation. Allele origin: germline. Inheritance: Autosomal dominant inheritance.
Comment: NM_181523.3(PIK3R1):c.1332T>C (p.Ala444=) is a synonymous variant near the 3' end of exon 11 that is not predicted to impact PIK3R1 splicing (BP7). The splicing impact predictor SpliceAI gives a delta score of 0.00 for all splicing events, which is below the ClinGen Antibody Deficiencies VCEP recommended threshold of <0.1 and does not strongly predict an impact on splicing (BP4). This variant is present in gnomAD v4.1.0 at a total allele frequency of 0.000005319, with 8 alleles / 1,504,126 total alleles across all populations of gnomAD, which is higher than the ClinGen Antibody Deficiencies PM2_Supporting threshold of <0.00000132. This variant is present in gnomAD v4.1.0 at a GrpMax allele frequency of 0.00002338, with 5 alleles / 84,060 total alleles in the South Asian population, which is lower than the ClinGen Antibody Deficiencies VCEP BS1 threshold of >0.000316, so no population code is met. In summary, this variant meets the criteria to be classified as likely benign for autosomal dominant PIK3R1-related immunodeficiency and SHORT syndrome based on the ACMG/AMP criteria applied, as specified by the ClinGen Antibody Deficiencies VCEP: BP7 and BP4. (VCEP specifications version 1.0.0; date of approval 04/29/2026).

Labcorp Genetics (formerly Invitae), Labcorp
Classification: Likely benign for SHORT syndrome; Immunodeficiency 36 with lymphoproliferation; Agammaglobulinemia 7, autosomal recessive. Last evaluated: 2023-03-08. Review status: criteria provided, single submitter. Criteria: Invitae Variant Classification Sherloc (09022015). Collection method: clinical testing. Allele origin: germline. Not counted in ClinVar's aggregate classification.